The following is an entry in ClinVar:

ClinVar aggregate classification (germline): Uncertain significance (1 of 4 stars; one submission).

Conditions:
Combined immunodeficiency due to LRBA deficiency. Also called: Common variable immunodeficiency 8, with autoimmunity. Identifiers: Orphanet 445018, MedGen C3553512, MONDO:0013863, OMIM 614700.

Allele frequency attached by ClinVar (database versions not stated): gnomAD exomes 0.00001; TOPMed 0.00001.
gnomAD v4.1: 5 of 1,613,558 alleles (0.00031%); highest among the groups gnomAD compares: South Asian, 0.0044%; no homozygotes.

Submission:

Labcorp Genetics (formerly Invitae), Labcorp
Classification: Uncertain significance for Combined immunodeficiency due to LRBA deficiency. Last evaluated: 2018-11-28. Review status: criteria provided, single submitter. Criteria: Invitae Variant Classification Sherloc (09022015). Collection method: clinical testing. Allele origin: germline.
Comment: In summary, the available evidence is currently insufficient to determine the role of this variant in disease. Therefore, it has been classified as a Variant of Uncertain Significance. Algorithms developed to predict the effect of sequence changes on RNA splicing suggest that this variant may create or strengthen a splice site, but this prediction has not been confirmed by published transcriptional studies. Algorithms developed to predict the effect of missense changes on protein structure and function are either unavailable or do not agree on the potential impact of this missense change (SIFT: "Tolerated"; PolyPhen-2: "Probably Damaging"; Align-GVGD: "Class C0"). This variant has not been reported in the literature in individuals with LRBA-related conditions. This variant is not present in population databases (ExAC no frequency). This sequence change replaces leucine with valine at codon 1953 of the LRBA protein (p.Leu1953Val). The leucine residue is moderately conserved and there is a small physicochemical difference between leucine and valine.

NM_001364905.1(LRBA):c.5857C>G (p.Leu1953Val)

Gene: LRBA (LPS responsive beige-like anchor protein; minus strand). Cytogenetic location: 4q31.3.
Variant type: single nucleotide variant.
Coding change: c.5857C>G on transcript NM_001364905.1 (MANE Select); coding-DNA position 5857, C replaced by G.
Protein change: p.Leu1953Val; replaces leucine 1953 with valine.
Molecular consequence: missense variant.
Genome position (GRCh38, 1-based): chr4:150,683,615, G>C on the plus strand (C>G on the coding strand, the complement: LRBA is on the minus strand). VCF-style: chr4-150683615-G-C. GRCh37 (hg19) VCF-style: chr4-151604767-G-C.
Other names: c.5857C>G, p.Leu1953Val (NM_001199282.3, NM_001367550.1, NM_006726.5); short protein forms L1953V.
Identifiers: ClinVar variation 660071 (VCV000660071.8), dbSNP rs1385577128, ClinGen allele CA358610259.